The following is an entry in ClinVar:

NM_000781.3(CYP11A1):c.723C>G (p.Phe241Leu)

Gene: CYP11A1 (cytochrome P450 family 11 subfamily A member 1; minus strand). Cytogenetic location: 15q24.1.
Variant type: single nucleotide variant.
Coding change: c.723C>G on transcript NM_000781.3 (MANE Select); coding-DNA position 723, C replaced by G.
Protein change: p.Phe241Leu; replaces phenylalanine 241 with leucine.
Molecular consequence: missense variant.
Genome position (GRCh38, 1-based): chr15:74,343,895, G>C on the plus strand (C>G on the coding strand, the complement: CYP11A1 is on the minus strand). VCF-style: chr15-74343895-G-C. GRCh37 (hg19) VCF-style: chr15-74636236-G-C.
Other names: c.249C>G, p.Phe83Leu (NM_001099773.2); short protein forms F241L, F83L.
Identifiers: ClinVar variation 4279602 (VCV004279602.2).

ClinVar aggregate classification (germline): Uncertain significance (1 of 4 stars; one submission).

Conditions:
Congenital adrenal insufficiency with 46, XY sex reversal OR 46,XY disorder of sex development-adrenal insufficiency due to CYP11A1 deficiency. Also called: P450scc DEFICIENCY; Congenital adrenal insuffiency with 46, XY sex reversal OR 46,XY disorder of sex development-adrenal insufficiency due to CYP11A1 deficiency. Identifiers: Orphanet 168558, MedGen C3151055, MONDO:0013400, OMIM 613743.

Submission:

Diagnostics Services (NGS), CSIR - Centre For Cellular And Molecular Biology
Classification: Uncertain significance for Congenital adrenal insufficiency with 46, XY sex reversal OR 46,XY disorder of sex development-adrenal insufficiency due to CYP11A1 deficiency. Last evaluated: 2025-09-11. Review status: criteria provided, single submitter. Criteria: ACMG Guidelines, 2015. Collection method: clinical testing. Allele origin: germline. Affected: yes. Observed: 1 variant allele, 1 heterozygote.
Comment: The c.723C>G variant is not present in publicly available population databases like 1000 Genomes, EVS, gnomAD and Indian Exome Database or our internal database. This variant has neither been published in the literature for CYP11A1-related conditions nor reported to clinical databases like Human Genome Mutation database (HGMD), OMIM, or ClinVar in any affected individuals. In-silico pathogenicity prediction programs like Polyphen-2, MutationTaster2021, CADD, etc predicted this variant to be likely deleterious, however these predictions were not confirmed by published functional studies.